The following is an entry in ClinVar:

NM_000059.4(BRCA2):c.3901A>T (p.Thr1301Ser)

Gene: BRCA2 (BRCA2 DNA repair associated; plus strand). Cytogenetic location: 13q13.1.
Variant type: single nucleotide variant.
Coding change: c.3901A>T on transcript NM_000059.4 (MANE Select); coding-DNA position 3901, A replaced by T.
Protein change: p.Thr1301Ser; replaces threonine 1301 with serine.
Molecular consequence: missense variant.
Genome position (GRCh38, 1-based): chr13:32,338,256, A>T. VCF-style: chr13-32338256-A-T. GRCh37 (hg19) VCF-style: chr13-32912393-A-T.
Other names: short protein forms T1301S.
Identifiers: ClinVar variation 576201 (VCV000576201.15), dbSNP rs779899032, ClinGen allele CA6940732.

ClinVar aggregate classification (germline): Conflicting classifications of pathogenicity. Review status: criteria provided, conflicting classifications (1 of 4 stars). 5 submissions from 5 submitters: Uncertain significance (4); Likely benign (1). Last evaluated 2025-08-07.

Conditions:
Hereditary breast ovarian cancer syndrome. Also called: Hereditary breast and ovarian cancer; Breast and ovarian cancer; Hereditary breast and ovarian cancer syndrome; BRCA1- and BRCA2-Associated Hereditary Breast and Ovarian Cancer; Hereditary breast and/or ovarian cancer syndrome; Hereditary breast and ovarian cancer syndrome (HBOC). Identifiers: Orphanet 145, MedGen C0677776, MeSH D061325, MONDO:0003582. Disease mechanism: loss of function.
Hereditary cancer-predisposing syndrome. Also called: Tumor predisposition; Hereditary neoplastic syndrome; Hereditary Cancer Syndrome; Neoplastic Syndromes, Hereditary. Identifiers: Orphanet 140162, MedGen C0027672, MeSH D009386, MONDO:0015356.

Allele frequency attached by ClinVar (database versions not stated): ExAC 0.00001; gnomAD exomes 0.00001.
gnomAD v4.1: 16 of 1,554,186 alleles (0.001%); highest among the groups gnomAD compares: Non-Finnish European, 0.0014%; no homozygotes.

Submissions (5):

Labcorp Genetics (formerly Invitae), Labcorp
Classification: Uncertain significance for Hereditary breast ovarian cancer syndrome. Last evaluated: 2025-08-07. Review status: criteria provided, single submitter. Criteria: Invitae Variant Classification Sherloc (09022015). Collection method: clinical testing. Allele origin: germline.
Comment: This sequence change replaces threonine, which is neutral and polar, with serine, which is neutral and polar, at codon 1301 of the BRCA2 protein (p.Thr1301Ser). This variant is present in population databases (rs779899032, gnomAD 0.002%). This missense change has been observed in individual(s) with breast cancer (PMID: 25186627). ClinVar contains an entry for this variant (Variation ID: 576201). Invitae Evidence Modeling of protein sequence and biophysical properties (such as structural, functional, and spatial information, amino acid conservation, physicochemical variation, residue mobility, and thermodynamic stability) indicates that this missense variant is not expected to disrupt BRCA2 protein function with a negative predictive value of 95%. In summary, the available evidence is currently insufficient to determine the role of this variant in disease. Therefore, it has been classified as a Variant of Uncertain Significance.

Ambry Genetics
Classification: Uncertain significance for Hereditary cancer-predisposing syndrome. Last evaluated: 2025-04-01. Review status: criteria provided, single submitter. Criteria: Ambry Variant Classification Scheme 2023. Collection method: clinical testing. Allele origin: germline.
Comment: The p.T1301S variant (also known as c.3901A>T), located in coding exon 10 of the BRCA2 gene, results from an A to T substitution at nucleotide position 3901. The threonine at codon 1301 is replaced by serine, an amino acid with similar properties. This variant was observed in an individual with early onset-breast cancer amongst a cohort of 1781 non-Ashkenazi Jewish individuals undergoing BRCA1/2 gene testing based on a personal history of breast cancer (Tung N et al. Cancer, 2015 Jan;121:25-33). This amino acid position is not well conserved in available vertebrate species. In addition, this alteration is predicted to be tolerated by in silico analysis. Since supporting evidence is limited at this time, the clinical significance of this alteration remains unclear.

University of Washington Department of Laboratory Medicine, University of Washington
Classification: Likely benign for Hereditary cancer-predisposing syndrome. Last evaluated: 2023-03-23. Review status: criteria provided, single submitter. Criteria: Dines et al. (Genet Med. 2020). Collection method: curation. Allele origin: germline.
Comment: Missense variant in a coldspot region where missense variants are very unlikely to be pathogenic (PMID:31911673).

BRCA2 exon 11 coldspot. Reclassification based on statistical prior probability.

Women's Health and Genetics/Laboratory Corporation of America, LabCorp
Classification: Uncertain significance. Last evaluated: 2021-02-25. Review status: criteria provided, single submitter. Criteria: LabCorp Variant Classification Summary - May 2015. Collection method: clinical testing. Allele origin: germline.
Comment: Variant summary: BRCA2 c.3901A>T (p.Thr1301Ser) results in a conservative amino acid change in the encoded protein sequence. Five of five in-silico tools predict a benign effect of the variant on protein function. The variant allele was found at a frequency of 9.9e-06 in 201666 control chromosomes. The available data on variant occurrences in the general population are insufficient to allow any conclusion about variant significance. c.3901A>T has been reported in the literature in an individual affected with breast cancer (Tung_2014). This report do not provide unequivocal conclusions about association of the variant with Hereditary Breast And Ovarian Cancer Syndrome. To our knowledge, no experimental evidence demonstrating an impact on protein function has been reported. Two clinical diagnostic laboratories have submitted clinical-significance assessments for this variant to ClinVar after 2014 without evidence for independent evaluation. All laboratories classified the variant as uncertain significance. Based on the evidence outlined above, the variant was classified as uncertain significance.

Color Diagnostics, LLC DBA Color Health
Classification: Uncertain significance for Hereditary cancer-predisposing syndrome. Last evaluated: 2019-04-20. Review status: criteria provided, single submitter. Criteria: ACMG Guidelines, 2015. Collection method: clinical testing. Allele origin: germline.

Literature cited by the submitters: PubMed 25186627 (cited by 3 submitters).